The following is an entry in ClinVar:

NM_001377295.2(GNAT2):c.175del (p.Asp59fs)

Gene: GNAT2 (G protein subunit alpha transducin 2; minus strand). Cytogenetic location: 1p13.3.
Variant type: Deletion.
Coding change: c.175del on transcript NM_001377295.2 (MANE Select); coding-DNA position 175, one base deleted (G; older notation c.175delG).
Protein change: p.Asp59fs; shifts the reading frame from aspartic acid 59.
Molecular consequence: frameshift variant.
Genome position (GRCh38, 1-based): chr1:109,610,168, C deleted on the plus strand (G on the coding strand, the reverse complement: GNAT2 is on the minus strand); the first of 2 consecutive C bases (chr1:109,610,168-109,610,169); deleting either gives the same sequence. VCF-style (leftmost placement, unchanged base first): chr1-109610167-TC-T. GRCh37 (hg19) VCF-style: chr1-110152789-TC-T.
Other names: c.175del, p.Asp59fs (NM_001379232.1, NM_005272.5); short protein forms D59fs.
Identifiers: ClinVar variation 817716 (VCV000817716.1), dbSNP rs1570565168, ClinGen allele CA915941383.

ClinVar aggregate classification (germline): Likely pathogenic (1 of 4 stars; one submission).

Submission:

GeneDx
Classification: Likely pathogenic. Last evaluated: 2018-07-05. Review status: criteria provided, single submitter. Criteria: GeneDx Variant Classification (06012015). Collection method: clinical testing. Allele origin: germline. Affected: yes.
Comment: The c.175delG variant in the GNAT2 gene has not been reported previously as a pathogenic variant nor as a benign variant, to our knowledge. This variant causes a frameshift starting with codon Aspartic Acid 59, changes this amino acid to a Methionine residue, and creates a premature Stop codon at position 30 of the new reading frame, denoted p.Asp59MetfsX30. This variant is predicted to cause loss of normal protein function either through protein truncation or nonsense-mediated mRNA decay. The c.175delG variant is not observed in large population cohorts (Lek et al., 2016). We interpret c.175delG as a likely pathogenic variant.